The following is an entry in ClinVar:

NM_016938.5(EFEMP2):c.726T>C (p.Ser242=)

Gene: EFEMP2 (EGF-like fibulin extracellular matrix protein 2; minus strand). Cytogenetic location: 11q13.1.
Variant type: single nucleotide variant.
Coding change: c.726T>C on transcript NM_016938.5 (MANE Select); coding-DNA position 726, T replaced by C.
Protein change: p.Ser242=; no amino-acid change (serine 242 retained).
Molecular consequence: synonymous variant. On other transcripts: non-coding transcript variant (1).
Genome position (GRCh38, 1-based): chr11:65,869,858, A>G on the plus strand (T>C on the coding strand, the complement: EFEMP2 is on the minus strand). VCF-style: chr11-65869858-A-G. GRCh37 (hg19) VCF-style: chr11-65637329-A-G.
Identifiers: ClinVar variation 2500025 (VCV002500025.1), dbSNP rs1283578259, ClinGen allele CA475316974.
Genomic context (GRCh38, chr11:65,869,858, plus strand): 5'-CGGCATAGCTAGGGCCTGGGGGTCCACAGAGGAGTACACAGCAGGGATGGAGCTCTCACC[A>G]CTGCAGGAGAAGCCATCCCGATGCAGCTCATAGCCCTGGTGGCAGCGACACAGGAAGGTC-3'
Protein context (NP_058634.4, residues 232-252): YELHRDGFSC[Ser242=]DIDECSYSSY

ClinVar aggregate classification (germline): Likely benign (1 of 4 stars; one submission).

Conditions:
Cutis laxa, autosomal recessive, type 1B (ARCL1B). Also called: EFEMP2-Related Cutis Laxa; CUTIS LAXA, AUTOSOMAL RECESSIVE, TYPE IB. Identifiers: Orphanet 90349, MedGen C3280798, MONDO:0013754, OMIM 614437. Disease mechanism: loss of function.

Allele frequency attached by ClinVar (database versions not stated): gnomAD exomes below 0.00001; TOPMed below 0.00001; gnomAD 0.00001.
gnomAD v4.1: 2 of 1,613,752 alleles (0.00012%); highest among the groups gnomAD compares: Non-Finnish European, 0.00017%; no homozygotes.

Submission:

Center for Genomics, Ann and Robert H. Lurie Children's Hospital of Chicago
Classification: Likely benign for Cutis laxa, autosomal recessive, type 1B. Last evaluated: 2022-10-26. Review status: criteria provided, single submitter. Criteria: ACMG Guidelines, 2015. Collection method: clinical testing. Allele origin: germline.
Comment: This variant has not been reported in the literature and is not present in large control databases. Of note, this is a silent variant and thus does not change the amino acid, it occurs at a nucleotide position that is poorly conserved evolutionarily, and it is not predicted to impact splicing; this reduces the probability that this variant is disease-causing. In summary, data on this variant suggests that this variant does not cause disease but requires further evidence. Therefore, this variant is classified as likely benign.